The following is an entry in ClinVar:

ClinVar aggregate classification (germline): Uncertain significance (1 of 4 stars; one submission).

Submission:

CeGaT Center for Human Genetics Tuebingen
Classification: Uncertain significance. Last evaluated: 2024-12-01. Review status: criteria provided, single submitter. Criteria: CeGaT Center For Human Genetics Tuebingen Variant Classification Criteria Version 2. Collection method: clinical testing. Allele origin: germline. Affected: yes. Observed: 1 variant allele.
Comment: COL4A1: PM2

NM_001845.6(COL4A1):c.992C>T (p.Pro331Leu)

Gene: COL4A1 (collagen type IV alpha 1 chain; minus strand). Cytogenetic location: 13q34.
Variant type: single nucleotide variant.
Coding change: c.992C>T on transcript NM_001845.6 (MANE Select); coding-DNA position 992, C replaced by T.
Protein change: p.Pro331Leu; replaces proline 331 with leucine.
Molecular consequence: missense variant.
Genome position (GRCh38, 1-based): chr13:110,203,573, G>A on the plus strand (C>T on the coding strand, the complement: COL4A1 is on the minus strand). VCF-style: chr13-110203573-G-A. GRCh37 (hg19) VCF-style: chr13-110855920-G-A.
Other names: c.992C>T, p.Pro331Leu (NM_001303110.2); short protein forms P331L.
Identifiers: ClinVar variation 3771362 (VCV003771362.13).